The following is an entry in ClinVar:

ClinVar aggregate classification (germline): Uncertain significance (1 of 4 stars; one submission).

Allele frequency attached by ClinVar (database versions not stated): gnomAD 0.00001.
gnomAD v4.1: 8 of 1,612,676 alleles (0.0005%); highest among the groups gnomAD compares: African/African-American, 0.0027%; no homozygotes.

Submission:

Labcorp Genetics (formerly Invitae), Labcorp
Classification: Uncertain significance. Last evaluated: 2022-08-16. Review status: criteria provided, single submitter. Criteria: Invitae Variant Classification Sherloc (09022015). Collection method: clinical testing. Allele origin: germline.
Comment: This sequence change replaces arginine, which is basic and polar, with glutamine, which is neutral and polar, at codon 1333 of the DSCAML1 protein (p.Arg1333Gln). The frequency data for this variant in the population databases is considered unreliable, as metrics indicate poor data quality at this position in the gnomAD database. This variant has not been reported in the literature in individuals affected with DSCAML1-related conditions. Algorithms developed to predict the effect of missense changes on protein structure and function are either unavailable or do not agree on the potential impact of this missense change (SIFT: "Deleterious"; PolyPhen-2: "Possibly Damaging"; Align-GVGD: "Class C0"). In summary, the available evidence is currently insufficient to determine the role of this variant in disease. Therefore, it has been classified as a Variant of Uncertain Significance.

NM_020693.4(DSCAML1):c.3818G>A (p.Arg1273Gln)

Gene: DSCAML1 (DS cell adhesion molecule like 1; minus strand). Cytogenetic location: 11q23.3.
Variant type: single nucleotide variant.
Coding change: c.3818G>A on transcript NM_020693.4 (MANE Select); coding-DNA position 3818, G replaced by A.
Protein change: p.Arg1273Gln; replaces arginine 1273 with glutamine.
Molecular consequence: missense variant.
Genome position (GRCh38, 1-based): chr11:117,443,930, C>T on the plus strand (G>A on the coding strand, the complement: DSCAML1 is on the minus strand). VCF-style: chr11-117443930-C-T. GRCh37 (hg19) VCF-style: chr11-117314646-C-T.
Other names: short protein forms R1273Q.
Identifiers: ClinVar variation 2155355 (VCV002155355.4), dbSNP rs772521283, ClinGen allele CA229409162.